The following is an entry in ClinVar:

NM_212550.5(BLOC1S3):c.89C>G (p.Ser30Cys)

Gene: BLOC1S3 (biogenesis of lysosomal organelles complex 1 subunit 3; plus strand). Cytogenetic location: 19q13.32.
Variant type: single nucleotide variant.
Coding change: c.89C>G on transcript NM_212550.5 (MANE Select); coding-DNA position 89, C replaced by G.
Protein change: p.Ser30Cys; replaces serine 30 with cysteine.
Molecular consequence: missense variant.
Genome position (GRCh38, 1-based): chr19:45,179,385, C>G. VCF-style: chr19-45179385-C-G. GRCh37 (hg19) VCF-style: chr19-45682643-C-G.
Other names: short protein forms S30C.
Identifiers: ClinVar variation 1944317 (VCV001944317.5), dbSNP rs747855208, ClinGen allele CA9510211.

ClinVar aggregate classification (germline): Uncertain significance. Review status: criteria provided, multiple submitters, no conflicts (2 of 4 stars). 2 submissions from 2 submitters: Uncertain significance (2). Last evaluated 2024-11-19.

Allele frequency attached by ClinVar (database versions not stated): TOPMed below 0.00001; gnomAD 0.00001.
gnomAD v4.1: 11 of 1,580,328 alleles (0.0007%); highest among the groups gnomAD compares: South Asian, 0.0068%; no homozygotes.

Submissions (2):

Women's Health and Genetics/Laboratory Corporation of America, LabCorp
Classification: Uncertain significance. Last evaluated: 2024-11-19. Review status: criteria provided, single submitter. Criteria: LabCorp Variant Classification Summary - May 2015. Collection method: clinical testing. Allele origin: germline.
Comment: Variant summary: BLOC1S3 c.89C>G (p.Ser30Cys) results in a non-conservative amino acid change in the encoded protein sequence. Three of five in-silico tools predict a damaging effect of the variant on protein function. The variant allele was found at a frequency of 1.9e-05 in 207932 control chromosomes. The available data on variant occurrences in the general population are insufficient to allow any conclusion about variant significance. To our knowledge, no occurrence of c.89C>G in individuals affected with Hermansky-Pudlak Syndrome and no experimental evidence demonstrating its impact on protein function have been reported. ClinVar contains an entry for this variant (Variation ID: 1944317). Based on the evidence outlined above, the variant was classified as uncertain significance.

Labcorp Genetics (formerly Invitae), Labcorp
Classification: Uncertain significance. Last evaluated: 2022-11-14. Review status: criteria provided, single submitter. Criteria: Invitae Variant Classification Sherloc (09022015). Collection method: clinical testing. Allele origin: germline.
Comment: Algorithms developed to predict the effect of missense changes on protein structure and function are either unavailable or do not agree on the potential impact of this missense change (SIFT: "Deleterious"; PolyPhen-2: "Possibly Damaging"; Align-GVGD: "Class C0"). In summary, the available evidence is currently insufficient to determine the role of this variant in disease. Therefore, it has been classified as a Variant of Uncertain Significance. This variant has not been reported in the literature in individuals affected with BLOC1S3-related conditions. This variant is present in population databases (rs747855208, gnomAD 0.01%). This sequence change replaces serine, which is neutral and polar, with cysteine, which is neutral and slightly polar, at codon 30 of the BLOC1S3 protein (p.Ser30Cys).